The following is an entry in ClinVar:

ClinVar aggregate classification (germline): Pathogenic (1 of 4 stars; one submission).

Conditions:
Gastrointestinal stromal tumor. Also called: Gastrointestinal stromal tumor, somatic; Gastrointestinal stroma tumor. Identifiers: Orphanet 44890, MedGen C0238198, MeSH D046152, MONDO:0011719, OMIM 606764, HP:0100723.
Pheochromocytoma/paraganglioma syndrome 3. Also called: GLOMUS TUMORS, FAMILIAL, 3; SDHC-Related Hereditary Paraganglioma-Pheochromocytoma Syndrome; Paragangliomas 3; SDHC-Related Hereditary Paraganglioma-Pheochromocytoma Syndrome (Paragangliomas 3). Identifiers: Orphanet 29072, MedGen C1854336, MONDO:0011544, OMIM 605373.

Submission:

Labcorp Genetics (formerly Invitae), Labcorp
Classification: Pathogenic for Pheochromocytoma/paraganglioma syndrome 3; Gastrointestinal stromal tumor. Last evaluated: 2019-06-03. Review status: criteria provided, single submitter. Criteria: Invitae Variant Classification Sherloc (09022015). Collection method: clinical testing. Allele origin: germline.
Comment: For these reasons, this variant has been classified as Pathogenic. This variant disrupts the C-terminus of the SDHC protein. Other variant(s) that disrupt this region (p.Arg133*) have been determined to be pathogenic (PMID: 23083876, 24423348, 24758179, 27700540). This suggests that variants that disrupt this region of the protein are likely to be causative of disease. This variant has not been reported in the literature in individuals with SDHC-related conditions. This variant is not present in population databases (ExAC no frequency). This sequence change results in a premature translational stop signal in the SDHC gene (p.Lys117Valfs*89). While this is not anticipated to result in nonsense mediated decay, it is expected to disrupt the last 53 amino acids of the SDHC protein.

Literature cited by the submitters: PubMed 23083876; PubMed 24423348; PubMed 24758179; PubMed 27700540.

NM_003001.5(SDHC):c.349_350del (p.Lys117fs)

Gene: SDHC (succinate dehydrogenase complex subunit C; plus strand). Cytogenetic location: 1q23.3.
Variant type: Deletion.
Coding change: c.349_350del on transcript NM_003001.5 (MANE Select); coding-DNA positions 349 to 350, 2 bases deleted (AA; older notation c.349_350delAA).
Protein change: p.Lys117fs; shifts the reading frame from lysine 117.
Molecular consequence: frameshift variant. On other transcripts: non-coding transcript variant (1), intron variant (3).
Genome position (GRCh38, 1-based): chr1:161,356,784-161,356,785, AA deleted. VCF-style (leftmost placement, unchanged base first): chr1-161356783-TAA-T. GRCh37 (hg19) VCF-style: chr1-161326573-TAA-T.
Other names: c.247_248del, p.Lys83fs (NM_001035512.3); c.190_191del, p.Lys64fs (NM_001035513.3); c.469_470del, p.Lys157fs (NM_001407115.1); c.292_293del, p.Lys98fs (NM_001407116.1); c.286_287del, p.Lys96fs (NM_001407117.1); c.241_242del, p.Lys81fs (NM_001407118.1); c.238_239del, p.Lys80fs (NM_001407119.1, NM_001407120.1); c.349_350delAA, p.Lys117Valfs (NM_003001.3); and 3 more; short protein forms K64fs, K83fs, K117fs, K80fs, K98fs, K157fs, K81fs, K96fs.
Identifiers: ClinVar variation 934045 (VCV000934045.8), dbSNP rs1672291512, ClinGen allele CA1139656392.
Genomic context (GRCh38, chr1:161,356,783, plus strand): 5'-TGAGTCTTATTTGGAACTTGTGAAGTCCCTGTGTCTGGGGCCAGCACTGATCCACACAGC[TAA>T]GTTTGCACTTGTCTTCCCTCTCATGTATCATACCTGGAATGGGATCCGACACTTGGTAAG-3'